The following is an entry in ClinVar:

NM_022166.4(XYLT1):c.1793G>A (p.Arg598His)

Genes: XYLT1 (xylosyltransferase 1; minus strand), LOC102723692 (uncharacterized LOC102723692; plus strand). Cytogenetic location: 16p12.3.
Variant type: single nucleotide variant.
Coding change: c.1793G>A on transcript NM_022166.4 (MANE Select); coding-DNA position 1793, G replaced by A.
Protein change: p.Arg598His; replaces arginine 598 with histidine.
Molecular consequence: missense variant.
Genome position (GRCh38, 1-based): chr16:17,134,707, C>T on the plus strand (G>A on the coding strand, the complement: XYLT1 is on the minus strand). VCF-style: chr16-17134707-C-T. GRCh37 (hg19) VCF-style: chr16-17228564-C-T.
Other names: short protein forms R598H.
Identifiers: ClinVar variation 1979309 (VCV001979309.4), dbSNP rs1567288581, ClinGen allele CA395219795.
Genomic context (GRCh38, chr16:17,134,707, plus strand): 5'-CCGTACAGGTAATAGTCCAGCTGCCCAATGATTTCCTGATTCACCACGGCTTCAAACTTG[C>T]GGGCAAAGAAGGTAGGCCGGGCTGTCTGCTGTACTCATGGGATTAAAAATAGAAAAGCCA-3'
Protein context (NP_071449.1, residues 588-608): QQTARPTFFA[Arg598His]KFEAVVNQEI

ClinVar aggregate classification (germline): Uncertain significance (1 of 4 stars; one submission).

Conditions:
Desbuquois dysplasia 1 (DBQD1). Also called: MICROMELIC DWARFISM WITH VERTEBRAL AND METAPHYSEAL ABNORMALITIES AND ADVANCED CARPOTARSAL OSSIFICATION; DESBUQUOIS DYSPLASIA 1, KIM VARIANT. Identifiers: Orphanet 1425, MedGen C4012146, MONDO:0009629, OMIM 251450.

Allele frequency attached by ClinVar (database versions not stated): gnomAD exomes below 0.00001; gnomAD 0.00001.
gnomAD v4.1: 7 of 1,614,016 alleles (0.00043%); highest among the groups gnomAD compares: Admixed American, 0.0017%; no homozygotes.

Submission:

Labcorp Genetics (formerly Invitae), Labcorp
Classification: Uncertain significance for Desbuquois dysplasia 1. Last evaluated: 2025-01-27. Review status: criteria provided, single submitter. Criteria: Invitae Variant Classification Sherloc (09022015). Collection method: clinical testing. Allele origin: germline.
Comment: This sequence change replaces arginine, which is basic and polar, with histidine, which is basic and polar, at codon 598 of the XYLT1 protein (p.Arg598His). This variant is not present in population databases (gnomAD no frequency). This variant has not been reported in the literature in individuals affected with XYLT1-related conditions. ClinVar contains an entry for this variant (Variation ID: 1979309). Invitae Evidence Modeling of protein sequence and biophysical properties (such as structural, functional, and spatial information, amino acid conservation, physicochemical variation, residue mobility, and thermodynamic stability) indicates that this missense variant is expected to disrupt XYLT1 protein function with a positive predictive value of 80%. In summary, the available evidence is currently insufficient to determine the role of this variant in disease. Therefore, it has been classified as a Variant of Uncertain Significance.